The following is an entry in ClinVar:

ClinVar aggregate classification (germline): Likely benign (1 of 4 stars; one submission).

gnomAD v4.1: 7 of 1,614,126 alleles (0.00043%); highest among the groups gnomAD compares: Middle Eastern, 0.016%; no homozygotes.

Submission:

CeGaT Center for Human Genetics Tuebingen
Classification: Likely benign. Last evaluated: 2025-07-01. Review status: criteria provided, single submitter. Criteria: CeGaT Center For Human Genetics Tuebingen Variant Classification Criteria Version 2. Collection method: clinical testing. Allele origin: germline. Affected: yes. Observed: 1 variant allele.
Comment: SON: BP4, BS2

NM_138927.4(SON):c.3779C>T (p.Thr1260Met)

Gene: SON (SON DNA and RNA binding protein; plus strand). Cytogenetic location: 21q22.11.
Variant type: single nucleotide variant.
Coding change: c.3779C>T on transcript NM_138927.4 (MANE Select); coding-DNA position 3779, C replaced by T.
Protein change: p.Thr1260Met; replaces threonine 1260 with methionine.
Molecular consequence: missense variant. On other transcripts: non-coding transcript variant (1), intron variant (1).
Genome position (GRCh38, 1-based): chr21:33,553,010, C>T. VCF-style: chr21-33553010-C-T. GRCh37 (hg19) VCF-style: chr21-34925316-C-T.
Other names: c.3779C>T, p.Thr1260Met (NM_001291411.2, NM_032195.3); c.245-4146C>T (NM_001291412.3); short protein forms T1260M.
Identifiers: ClinVar variation 4085006 (VCV004085006.8).